The following is an entry in ClinVar:

ClinVar aggregate classification (germline): Benign. Review status: criteria provided, multiple submitters, no conflicts (2 of 4 stars). 10 submissions from 10 submitters: Benign (7). 3 of the submissions do not count toward it. Last evaluated 2026-05-11.

Conditions:
FGFR2-related craniosynostosis. Identifiers: MedGen CN231480.

Allele frequency attached by ClinVar (database versions not stated): 1000 Genomes Project 0.01118; 1000 Genomes Project 30x 0.01124; TOPMed 0.01910; gnomAD exomes 0.01912 and 0.02250; gnomAD 0.02061 and 0.02120; ESP Exome Variant Server 0.02137.
gnomAD v4.1: 36,109 of 1,612,798 alleles (2.2%); highest among the groups gnomAD compares: Middle Eastern, 4.9%; 484 homozygotes.

Submissions (20):

Women's Health and Genetics/Laboratory Corporation of America, LabCorp
Classification: Benign. Last evaluated: 2026-05-11. Review status: criteria provided, single submitter. Criteria: LabCorp Variant Classification Summary - May 2015. Collection method: clinical testing. Allele origin: germline.

Labcorp Genetics (formerly Invitae), Labcorp
Classification: Benign for FGFR2-related craniosynostosis. Last evaluated: 2026-02-02. Review status: criteria provided, single submitter. Criteria: Invitae Variant Classification Sherloc (09022015). Collection method: clinical testing. Allele origin: germline.

ARUP Laboratories, Molecular Genetics and Genomics, ARUP Laboratories
Classification: Benign. Last evaluated: 2025-02-20. Review status: criteria provided, single submitter. Criteria: ARUP Molecular Germline Variant Investigation Process 2024. Collection method: clinical testing. Allele origin: germline.

Blueprint Genetics
Classification: Benign. Last evaluated: 2024-11-27. Review status: criteria provided, single submitter. Criteria: ACMG Guidelines, 2015. Collection method: clinical testing. Allele origin: germline.

GeneDx
Classification: Benign. Last evaluated: 2016-04-14. Review status: criteria provided, single submitter. Criteria: GeneDx Variant Classification (06012015). Collection method: clinical testing. Allele origin: germline. Affected: yes.
Comment: This variant is considered likely benign or benign based on one or more of the following criteria: it is a conservative change, it occurs at a poorly conserved position in the protein, it is predicted to be benign by multiple in silico algorithms, and/or has population frequency not consistent with disease.

Breakthrough Genomics
Classification: Benign. Review status: criteria provided, single submitter. Criteria: ACMG Guidelines, 2015. Collection method: not provided. Allele origin: germline. Inheritance: Autosomal dominant inheritance. Affected: yes.

PreventionGenetics, part of Exact Sciences
Classification: Benign. Review status: criteria provided, single submitter. Criteria: ACMG Guidelines, 2015. Collection method: clinical testing. Allele origin: germline.

Clinical Genetics DNA and cytogenetics Diagnostics Lab, Erasmus MC, Erasmus Medical Center
Classification: Benign. Review status: no assertion criteria provided. Collection method: clinical testing. Allele origin: germline. Affected: yes. Study: VKGL Data-share Consensus. Not counted in ClinVar's aggregate classification.

Dr. Peter K. Rogan Lab, Western University
No classification provided (evidence only). Condition: Lung cancer. Review status: no classification provided. Collection method: in vitro. Allele origin: not applicable. Functional consequence: retained intron. Not counted in ClinVar's aggregate classification.

Dr. Peter K. Rogan Lab, Western University
No classification provided (evidence only). Condition: Lung cancer. Review status: no classification provided. Collection method: in vitro. Allele origin: not applicable. Functional consequence: retained intron. Not counted in ClinVar's aggregate classification.

Dr. Peter K. Rogan Lab, Western University
No classification provided (evidence only). Condition: Lung cancer. Review status: no classification provided. Collection method: in vitro. Allele origin: not applicable. Functional consequence: retained intron. Not counted in ClinVar's aggregate classification.

Dr. Peter K. Rogan Lab, Western University
No classification provided (evidence only). Condition: Acute myeloid leukemia. Review status: no classification provided. Collection method: in vitro. Allele origin: not applicable. Functional consequence: retained intron. Not counted in ClinVar's aggregate classification.

Dr. Peter K. Rogan Lab, Western University
No classification provided (evidence only). Condition: Uterine corpus endometrial carcinoma. Review status: no classification provided. Collection method: in vitro. Allele origin: not applicable. Functional consequence: retained intron. Not counted in ClinVar's aggregate classification.

Dr. Peter K. Rogan Lab, Western University
No classification provided (evidence only). Condition: Cervical cancer. Review status: no classification provided. Collection method: in vitro. Allele origin: not applicable. Functional consequence: retained intron. Not counted in ClinVar's aggregate classification.

Dr. Peter K. Rogan Lab, Western University
No classification provided (evidence only). Condition: Ovarian serous cystadenocarcinoma. Review status: no classification provided. Collection method: in vitro. Allele origin: not applicable. Functional consequence: retained intron. Not counted in ClinVar's aggregate classification.

Dr. Peter K. Rogan Lab, Western University
No classification provided (evidence only). Condition: Ovarian serous cystadenocarcinoma. Review status: no classification provided. Collection method: in vitro. Allele origin: not applicable. Functional consequence: retained intron. Not counted in ClinVar's aggregate classification.

Dr. Peter K. Rogan Lab, Western University
No classification provided (evidence only). Condition: Gastric cancer. Review status: no classification provided. Collection method: in vitro. Allele origin: not applicable. Functional consequence: retained intron. Not counted in ClinVar's aggregate classification.

Dr. Peter K. Rogan Lab, Western University
No classification provided (evidence only). Condition: Malignant tumor of esophagus. Review status: no classification provided. Collection method: in vitro. Allele origin: not applicable. Functional consequence: skipped exon. Not counted in ClinVar's aggregate classification.

Genome Diagnostics Laboratory, Amsterdam University Medical Center
Classification: Benign. Review status: no assertion criteria provided. Collection method: clinical testing. Allele origin: germline. Affected: yes. Study: VKGL Data-share Consensus. Not counted in ClinVar's aggregate classification.

Joint Genome Diagnostic Labs from Nijmegen and Maastricht, Radboudumc and MUMC+
Classification: Benign. Review status: no assertion criteria provided. Collection method: clinical testing. Allele origin: germline. Affected: yes. Study: VKGL Data-share Consensus. Not counted in ClinVar's aggregate classification.

NM_000141.5(FGFR2):c.1864-17T>G

Gene: FGFR2 (fibroblast growth factor receptor 2; minus strand). Cytogenetic location: 10q26.13.
Variant type: single nucleotide variant.
Coding change: c.1864-17T>G on transcript NM_000141.5 (MANE Select); 17 bases into the intron before coding-DNA position 1864, T replaced by G.
Molecular consequence: intron variant.
Genome position (GRCh38, 1-based): chr10:121,488,130, A>C on the plus strand (T>G on the coding strand, the complement: FGFR2 is on the minus strand). VCF-style: chr10-121488130-A-C. GRCh37 (hg19) VCF-style: chr10-123247644-A-C.
Other names: c.1528-17T>G (NM_001144914.1); c.1513-17T>G (NM_001144918.2, NM_001441091.1); c.1519-17T>G (NM_001441090.1, NM_001144916.2); c.1591-17T>G (NM_001441089.1); c.1597-17T>G (NM_023029.3, NM_001144915.2); c.1594-17T>G (NM_001441088.1); c.1516-17T>G (NM_001144917.2); c.1858-17T>G (NM_001320658.2); and 4 more.
Identifiers: ClinVar variation 255315 (VCV000255315.32), dbSNP rs3135802, ClinGen allele CA5720618.
Genomic context (GRCh38, chr10:121,488,130, plus strand): 5'-TCTGTTACCAAAACATTTCTGGCTGCTAAATCTCGATGAATACACTGAAATCAAGAAAGA[A>C]GCAAGAGAAATAACTAATTTCAAAACACCGCCAGAACAAAAAGGAAATATGTTCATTTCT-3'